The following is an entry in ClinVar:

ClinVar aggregate classification (germline): Uncertain significance (1 of 4 stars; one submission).

Conditions:
Cardiovascular phenotype. Identifiers: MedGen CN230736.

Submission:

Ambry Genetics
Classification: Uncertain significance for Cardiovascular phenotype. Last evaluated: 2024-10-21. Review status: criteria provided, single submitter. Criteria: Ambry Variant Classification Scheme 2023. Collection method: clinical testing. Allele origin: germline.
Comment: The p.A6V variant (also known as c.17C>T), located in coding exon 1 of the ABCG8 gene, results from a C to T substitution at nucleotide position 17. The alanine at codon 6 is replaced by valine, an amino acid with similar properties. This amino acid position is conserved. In addition, this alteration is predicted to be tolerated by in silico analysis. Based on the available evidence, the clinical significance of this variant remains unclear.

NM_022437.3(ABCG8):c.17C>T (p.Ala6Val)

Genes: ABCG5 (ATP binding cassette subfamily G member 5; minus strand), ABCG8 (ATP binding cassette subfamily G member 8; plus strand). Cytogenetic location: 2p21.
Variant type: single nucleotide variant.
Coding change: c.17C>T on transcript NM_022437.3 (MANE Select); coding-DNA position 17, C replaced by T.
Protein change: p.Ala6Val; replaces alanine 6 with valine.
Molecular consequence: missense variant.
Genome position (GRCh38, 1-based): chr2:43,839,070, C>T. VCF-style: chr2-43839070-C-T. GRCh37 (hg19) VCF-style: chr2-44066209-C-T.
Other names: c.17C>T, p.Ala6Val (NM_001357321.2); short protein forms A6V.
Identifiers: ClinVar variation 3420052 (VCV003420052.1).
Genomic context (GRCh38, chr2:43,839,070, plus strand): 5'-GGTCTAAGAGAGCTGCAGCCCAGGGTCACAGACCTGTGGGCCCCATGGCCGGGAAGGCGG[C>T]AGAGGAGAGAGGGCTGCCGAAAGGGGCCACTCCCCAGGATACCTCGGTGAGTGAGCAATG-3'
Protein context (NP_071882.1, residues 1-16): MAGKA[Ala6Val]EERGLPKGAT